The following is an entry in ClinVar:

ClinVar aggregate classification (germline): Conflicting classifications of pathogenicity. Review status: criteria provided, conflicting classifications (1 of 4 stars). 7 submissions from 7 submitters: Likely pathogenic (1); Uncertain significance (4). 2 of the submissions do not count toward it. Last evaluated 2024-07-08.

Conditions:
TUBGCP2-related disorder. Also called: TUBGCP2-related condition.
Pachygyria, microcephaly, developmental delay, and dysmorphic facies, with or without seizures. Also called: CORTICAL DYSPLASIA, COMPLEX, WITH OTHER BRAIN MALFORMATIONS 15. Identifiers: MedGen C5231486, MONDO:0032893, OMIM 618737.
Abnormality of neuronal migration. Identifiers: MedGen C1837249, HP:0002269.

Allele frequency attached by ClinVar (database versions not stated): gnomAD exomes 0.00018 and 0.00040; ExAC 0.00059; 1000 Genomes Project 30x 0.00078; 1000 Genomes Project 0.00100; gnomAD 0.00153 and 0.00166; ESP Exome Variant Server 0.00161; TOPMed 0.00166.
gnomAD v4.1: 529 of 1,613,468 alleles (0.033%); highest among the groups gnomAD compares: African/African-American, 0.45%; 4 homozygotes.

Submissions (7):

Blueprint Genetics
Classification: Likely pathogenic for TUBGCP2-related disorders. Last evaluated: 2024-07-08. Review status: criteria provided, single submitter. Criteria: ACMG Guidelines, 2015. Collection method: clinical testing. Allele origin: germline. Affected: yes. Observed: 5 variant alleles.

Revvity Omics, Revvity
Classification: Uncertain significance for Pachygyria, microcephaly, developmental delay, and dysmorphic facies, with or without seizures. Last evaluated: 2023-06-12. Review status: criteria provided, single submitter. Criteria: ACMG Guidelines, 2015. Collection method: clinical testing. Allele origin: germline.

Department of Pathology and Laboratory Medicine, Sinai Health System
Classification: Uncertain significance for Pachygyria, microcephaly, developmental delay, and dysmorphic facies, with or without seizures. Last evaluated: 2023-02-06. Review status: criteria provided, single submitter. Criteria: ACMG Guidelines, 2015. Collection method: research. Allele origin: germline.

GeneDx
Classification: Uncertain significance. Last evaluated: 2022-04-08. Review status: criteria provided, single submitter. Criteria: GeneDx Variant Classification Process June 2021. Collection method: clinical testing. Allele origin: germline. Affected: yes.
Comment: In silico analysis supports that this missense variant does not alter protein structure/function; This variant is associated with the following publications: (PMID: 34426522, 34582790, 31630790)

New York Genome Center
Classification: Uncertain significance for Pachygyria, microcephaly, developmental delay, and dysmorphic facies, with or without seizures. Last evaluated: 2021-03-24. Review status: criteria provided, single submitter. Criteria: NYGC Assertion Criteria 2020. Collection method: clinical testing. Allele origin: germline. Observed: 1 heterozygote. Study: CSER-NYCKidSeq.

OMIM
Classification: Pathogenic for CORTICAL DYSPLASIA, COMPLEX, WITH OTHER BRAIN MALFORMATIONS 15. Last evaluated: 2023-11-02. Review status: no assertion criteria provided. Collection method: literature only. Allele origin: germline. Not counted in ClinVar's aggregate classification.

Lupski Lab, Baylor-Hopkins CMG, Baylor College of Medicine
Classification: Uncertain significance for Abnormality of neuronal migration. Review status: no assertion criteria provided. Collection method: research. Allele origin: inherited, unknown. Inheritance: Autosomal recessive inheritance. Affected: yes and no. Observed: 8 variant alleles, 6 heterozygotes, 2 homozygotes. Not counted in ClinVar's aggregate classification.

Literature cited by the submitters: PubMed 31630790 (cited by OMIM).

NM_006659.4(TUBGCP2):c.997C>T (p.Arg333Cys)

Genes: TUBGCP2 (tubulin gamma complex component 2; minus strand), LOC126861106 (P300/CBP strongly-dependent group 1 enhancer GRCh37_chr10:135106330-135107529; plus strand). Cytogenetic location: 10q26.3.
Variant type: single nucleotide variant.
Coding change: c.997C>T on transcript NM_006659.4 (MANE Select); coding-DNA position 997, C replaced by T.
Protein change: p.Arg333Cys; replaces arginine 333 with cysteine.
Molecular consequence: missense variant. On other transcripts: non-coding transcript variant (1).
Genome position (GRCh38, 1-based): chr10:133,293,066, G>A on the plus strand (C>T on the coding strand, the complement: TUBGCP2 is on the minus strand). VCF-style: chr10-133293066-G-A. GRCh37 (hg19) VCF-style: chr10-135106570-G-A.
Other names: c.1081C>T, p.Arg361Cys (NM_001256617.2); c.607C>T, p.Arg203Cys (NM_001256618.2); short protein forms R361C, R203C, R333C.
Identifiers: ClinVar variation 691859 (VCV000691859.13), dbSNP rs34832477, ClinGen allele CA5764313.